The following is an entry in ClinVar:

ClinVar aggregate classification (germline): Likely benign (1 of 4 stars; one submission).

Submission:

GeneDx
Classification: Likely benign. Last evaluated: 2017-02-28. Review status: criteria provided, single submitter. Criteria: GeneDx Variant Classification (06012015). Collection method: clinical testing. Allele origin: germline. Affected: yes.
Comment: This variant is considered likely benign or benign based on one or more of the following criteria: it is a conservative change, it occurs at a poorly conserved position in the protein, it is predicted to be benign by multiple in silico algorithms, and/or has population frequency not consistent with disease.

NM_002834.5(PTPN11):c.1448-8C>T

Gene: PTPN11 (protein tyrosine phosphatase non-receptor type 11; plus strand). Cytogenetic location: 12q24.13.
Variant type: single nucleotide variant.
Coding change: c.1448-8C>T on transcript NM_002834.5 (MANE Select); 8 bases into the intron before coding-DNA position 1448, C replaced by T.
Molecular consequence: intron variant.
Genome position (GRCh38, 1-based): chr12:112,489,016, C>T. VCF-style: chr12-112489016-C-T. GRCh37 (hg19) VCF-style: chr12-112926820-C-T.
Other names: c.1460-8C>T (NM_001330437.2); c.1445-8C>T (NM_001374625.1).
Identifiers: ClinVar variation 507619 (VCV000507619.1), dbSNP rs1555270633, ClinGen allele CA658797953.